The following is an entry in ClinVar:

ClinVar aggregate classification (germline): Uncertain significance. Review status: criteria provided, multiple submitters, no conflicts (2 of 4 stars). 2 submissions from 2 submitters: Uncertain significance (2). Last evaluated 2024-10-11.

Conditions:
Inborn genetic diseases. Identifiers: MedGen C0950123, MeSH D030342.

Submissions (2):

GeneDx
Classification: Uncertain significance. Last evaluated: 2024-10-11. Review status: criteria provided, single submitter. Criteria: GeneDx Variant Classification Process June 2021. Collection method: clinical testing. Allele origin: germline. Affected: yes.
Comment: Not observed at significant frequency in large population cohorts (gnomAD); In silico analysis indicates that this missense variant does not alter protein structure/function; Has not been previously published as pathogenic or benign to our knowledge

Ambry Genetics
Classification: Uncertain significance for Inborn genetic diseases. Last evaluated: 2022-11-10. Review status: criteria provided, single submitter. Criteria: Ambry Variant Classification Scheme 2023. Collection method: clinical testing. Allele origin: germline.

NM_004519.4(KCNQ3):c.2356A>G (p.Ser786Gly)

Gene: KCNQ3 (potassium voltage-gated channel subfamily Q member 3; minus strand). Cytogenetic location: 8q24.22.
Variant type: single nucleotide variant.
Coding change: c.2356A>G on transcript NM_004519.4 (MANE Select); coding-DNA position 2356, A replaced by G.
Protein change: p.Ser786Gly; replaces serine 786 with glycine.
Molecular consequence: missense variant.
Genome position (GRCh38, 1-based): chr8:132,129,525, T>C on the plus strand (A>G on the coding strand, the complement: KCNQ3 is on the minus strand). VCF-style: chr8-132129525-T-C. GRCh37 (hg19) VCF-style: chr8-133141772-T-C.
Other names: c.1996A>G, p.Ser666Gly (NM_001204824.2); short protein forms S786G, S666G.
Identifiers: ClinVar variation 2325866 (VCV002325866.3), dbSNP rs1824785702, ClinGen allele CA372216072.